The following is an entry in ClinVar:

NM_016579.4(CD320):c.212C>G (p.Thr71Ser)

Gene: CD320 (CD320 molecule; minus strand). Cytogenetic location: 19p13.2.
Variant type: single nucleotide variant.
Coding change: c.212C>G on transcript NM_016579.4 (MANE Select); coding-DNA position 212, C replaced by G.
Protein change: p.Thr71Ser; replaces threonine 71 with serine.
Molecular consequence: missense variant. On other transcripts: intron variant (1).
Genome position (GRCh38, 1-based): chr19:8,305,087, G>C on the plus strand (C>G on the coding strand, the complement: CD320 is on the minus strand). VCF-style: chr19-8305087-G-C. GRCh37 (hg19) VCF-style: chr19-8369971-G-C.
Other names: c.143-999C>G (NM_001165895.2); short protein forms T71S.
Identifiers: ClinVar variation 857328 (VCV000857328.10), dbSNP rs560650557, ClinGen allele CA304983931.

ClinVar aggregate classification (germline): Uncertain significance. Review status: criteria provided, multiple submitters, no conflicts (2 of 4 stars). 2 submissions from 2 submitters: Uncertain significance (2). Last evaluated 2025-07-08.

Conditions:
Methylmalonic acidemia due to transcobalamin receptor defect (MATR). Also called: METHYLMALONIC ACIDURIA, TRANSIENT, DUE TO TRANSCOBALAMIN RECEPTOR DEFECT; METHYLMALONIC ACIDEMIA, TCblR TYPE. Identifiers: Orphanet 280183, MedGen C4749905, MONDO:0013341, OMIM 613646.

Allele frequency attached by ClinVar (database versions not stated): gnomAD 0.00001; gnomAD exomes 0.00001; TOPMed 0.00001.
gnomAD v4.1: 41 of 1,613,024 alleles (0.0025%); highest among the groups gnomAD compares: South Asian, 0.0055%; no homozygotes.

Submissions (2):

Ambry Genetics
Classification: Uncertain significance. Last evaluated: 2025-07-08. Review status: criteria provided, single submitter. Criteria: Ambry Variant Classification Scheme 2023. Collection method: clinical testing. Allele origin: germline.

Labcorp Genetics (formerly Invitae), Labcorp
Classification: Uncertain significance for Methylmalonic acidemia due to transcobalamin receptor defect. Last evaluated: 2024-06-20. Review status: criteria provided, single submitter. Criteria: Invitae Variant Classification Sherloc (09022015). Collection method: clinical testing. Allele origin: germline.
Comment: This sequence change replaces threonine, which is neutral and polar, with serine, which is neutral and polar, at codon 71 of the CD320 protein (p.Thr71Ser). This variant is present in population databases (rs560650557, gnomAD 0.003%). This variant has not been reported in the literature in individuals affected with CD320-related conditions. ClinVar contains an entry for this variant (Variation ID: 857328). Algorithms developed to predict the effect of missense changes on protein structure and function output the following: SIFT: "Not Available"; PolyPhen-2: "Benign"; Align-GVGD: "Not Available". The serine amino acid residue is found in multiple mammalian species, which suggests that this missense change does not adversely affect protein function. In summary, the available evidence is currently insufficient to determine the role of this variant in disease. Therefore, it has been classified as a Variant of Uncertain Significance.